The following is an entry in ClinVar:

NM_016553.5(NUP62):c.842C>G (p.Thr281Ser)

Genes: IL4I1 (interleukin 4 induced 1; minus strand), NUP62 (nucleoporin 62; minus strand). Cytogenetic location: 19q13.33.
Variant type: single nucleotide variant.
Coding change: c.842C>G on transcript NM_016553.5 (MANE Select); coding-DNA position 842, C replaced by G.
Protein change: p.Thr281Ser; replaces threonine 281 with serine.
Molecular consequence: missense variant. On other transcripts: intron variant (3).
Genome position (GRCh38, 1-based): chr19:49,908,966, G>C on the plus strand (C>G on the coding strand, the complement: NUP62 is on the minus strand). VCF-style: chr19-49908966-G-C. GRCh37 (hg19) VCF-style: chr19-50412223-G-C.
Other names: c.842C>G, p.Thr281Ser (NM_153718.4, NM_153719.4, NM_001193357.2 and 1 more transcripts); c.-227-4645C>G (NM_001258017.2, NM_172374.3); c.-285-4645C>G (NM_001258018.2); short protein forms T281S.
Identifiers: ClinVar variation 1376174 (VCV001376174.9), dbSNP rs144277054, ClinGen allele CA9589017.

ClinVar aggregate classification (germline): Conflicting classifications of pathogenicity. Review status: criteria provided, conflicting classifications (1 of 4 stars). 2 submissions from 2 submitters: Uncertain significance (1); Likely benign (1). Last evaluated 2025-12-08.

Allele frequency attached by ClinVar (database versions not stated): gnomAD exomes 0.00004; gnomAD 0.00022 and 0.00020; ExAC 0.00005; TOPMed 0.00015; ESP Exome Variant Server 0.00023.
gnomAD v4.1: 65 of 1,609,158 alleles (0.004%); highest among the groups gnomAD compares: African/African-American, 0.071%; no homozygotes.

Submissions (2):

Labcorp Genetics (formerly Invitae), Labcorp
Classification: Uncertain significance. Last evaluated: 2025-12-08. Review status: criteria provided, single submitter. Criteria: Invitae Variant Classification Sherloc (09022015). Collection method: clinical testing. Allele origin: germline.
Comment: This sequence change replaces threonine, which is neutral and polar, with serine, which is neutral and polar, at codon 281 of the NUP62 protein (p.Thr281Ser). This variant is present in population databases (rs144277054, gnomAD 0.06%), and has an allele count higher than expected for a pathogenic variant. This variant has not been reported in the literature in individuals affected with NUP62-related conditions. ClinVar contains an entry for this variant (Variation ID: 1376174). An algorithm developed to predict the effect of missense changes on protein structure and function outputs the following: PolyPhen-2: "Benign". The serine amino acid residue is found in multiple mammalian species, which suggests that this missense change does not adversely affect protein function. In summary, the available evidence is currently insufficient to determine the role of this variant in disease. Therefore, it has been classified as a Variant of Uncertain Significance.

Ambry Genetics
Classification: Likely benign. Last evaluated: 2024-02-14. Review status: criteria provided, single submitter. Criteria: Ambry Variant Classification Scheme 2023. Collection method: clinical testing. Allele origin: germline.